The following is an entry in ClinVar:

ClinVar aggregate classification (germline): Uncertain significance (1 of 4 stars; one submission).

Conditions:
Autosomal recessive limb-girdle muscular dystrophy type 2J (LGMDR10). Also called: Limb-girdle muscular dystrophy, type 2J; MUSCULAR DYSTROPHY, LIMB-GIRDLE, AUTOSOMAL RECESSIVE 10. Identifiers: Orphanet 140922, MedGen C1837342, MONDO:0012127, OMIM 608807.
Dilated cardiomyopathy 1G (CMD1G). Identifiers: Orphanet 154, MedGen C1858763, MONDO:0011400, OMIM 604145.

Submission:

Labcorp Genetics (formerly Invitae), Labcorp
Classification: Uncertain significance for Dilated cardiomyopathy 1G; Autosomal recessive limb-girdle muscular dystrophy type 2J. Last evaluated: 2025-10-27. Review status: criteria provided, single submitter. Criteria: Invitae Variant Classification Sherloc (09022015). Collection method: clinical testing. Allele origin: germline.
Comment: This variant, c.217_218insGGGGGATCGTCC, is a complex sequence change that results in the deletion of 1 and insertion of 5 amino acid(s) in the TTN protein (p.Ala73delinsGlyGlyIleValPro). Information on the frequency of this variant in the gnomAD database is not available, as this variant may be reported differently in the database. This variant has been observed in individual(s) with autosomal recessive TTN-related conditions (internal data). Experimental studies and prediction algorithms are not available or were not evaluated, and the functional significance of this variant is currently unknown. This variant is located in the Z band of TTN (PMID: 25589632). Non-truncating variants in this region may be clinically relevant, but have not been definitively shown to cause cardiomyopathy or neuromuscular disease (PMID: 27493940, 32778822). In summary, the available evidence is currently insufficient to determine the role of this variant in disease. Therefore, it has been classified as a Variant of Uncertain Significance.

Literature cited by the submitters: PubMed 25589632; PubMed 27493940; PubMed 32778822.

NM_001267550.2(TTN):c.217_218insGGGGGATCGTCC (p.Ala73delinsGlyGlyIleValPro)

Gene: TTN (titin; minus strand). Cytogenetic location: 2q31.2.
Variant type: Insertion.
Coding change: c.217_218insGGGGGATCGTCC on transcript NM_001267550.2 (MANE Select); coding-DNA positions 217 to 218, GGGGGATCGTCC inserted.
Protein change: p.Ala73delinsGlyGlyIleValPro.
Molecular consequence: inframe indel.
Genome position: GRCh38 VCF-style: chr2-178802215-G-GGGACGATCCCCC. GRCh37 (hg19) VCF-style: chr2-179666942-G-GGGACGATCCCCC.
Other names: c.217_218insGGGGGATCGTCC, p.Ala73delinsGlyGlyIleValPro (NM_001256850.1, NM_003319.4, NM_133378.4 and 3 more transcripts).
Identifiers: ClinVar variation 4787710 (VCV004787710.1).
Genomic context (GRCh38, chr2:178,802,215, plus strand): 5'-GCAGTACTAGTCGCTTGTCCAGATCCATTGGTGGCTTTCAGGGAATATCGTCCACTGTTG[G>GGGACGATCCCCC]CTTTAGTCACGGCGGGGATCGTCAGTTTAGCGCGGCCATCGCTAAAGGAGATCTGCACGC-3'